The following is an entry in ClinVar:

ClinVar aggregate classification (germline): Conflicting classifications of pathogenicity. Review status: criteria provided, conflicting classifications (1 of 4 stars). 8 submissions from 4 submitters: Uncertain significance (7); Likely benign (1). Last evaluated 2025-04-09.

Conditions:
Autosomal recessive limb-girdle muscular dystrophy type 2J (LGMDR10). Also called: MUSCULAR DYSTROPHY, LIMB-GIRDLE, AUTOSOMAL RECESSIVE 10; Limb-girdle muscular dystrophy, type 2J. Identifiers: Orphanet 140922, MedGen C1837342, MONDO:0012127, OMIM 608807.
Dilated cardiomyopathy 1G (CMD1G). Identifiers: Orphanet 154, MedGen C1858763, MONDO:0011400, OMIM 604145.
Early-onset myopathy with fatal cardiomyopathy (CMYO5). Also called: CONGENITAL MYOPATHY 5 WITH CARDIOMYOPATHY; Salih Myopathy. Identifiers: Orphanet 289377, MedGen C2673677, MONDO:0012714, OMIM 611705. Disease mechanism: loss of function.
Myopathy, myofibrillar, 9, with early respiratory failure (MFM9). Also called: Myopathy, distal, with early respiratory failure, autosomal dominant; Hereditary myopathy with early respiratory failure; EDSTROM MYOPATHY; MYOPATHY, PROXIMAL, WITH EARLY RESPIRATORY MUSCLE INVOLVEMENT. Identifiers: Orphanet 178464, Orphanet 34521, MedGen C1863599, MONDO:0011362, OMIM 603689.
Tibial muscular dystrophy (TMD). Also called: Tibial muscular dystrophy, tardive; Udd Distal Myopathy – Tibial Muscular Dystrophy; UDD MYOPATHY. Identifiers: Orphanet 609, MedGen C1838244, MONDO:0010870, OMIM 600334.

Allele frequency attached by ClinVar (database versions not stated): gnomAD exomes 0.00001; gnomAD 0.00002; TOPMed 0.00002.
gnomAD v4.1: 21 of 1,612,180 alleles (0.0013%); highest among the groups gnomAD compares: Admixed American, 0.0017%; no homozygotes.

Submissions (8):

Molecular Diagnostic Laboratory for Inherited Cardiovascular Disease, Montreal Heart Institute
Classification: Likely benign. Last evaluated: 2025-04-09. Review status: criteria provided, single submitter. Criteria: ACMG Guidelines, 2015. Collection method: clinical testing. Allele origin: germline. Affected: no.
Comment: BP1

Revvity Omics, Revvity
Classification: Uncertain significance. Last evaluated: 2021-02-24. Review status: criteria provided, single submitter. Criteria: ACMG Guidelines, 2015. Collection method: clinical testing. Allele origin: germline.

Labcorp Genetics (formerly Invitae), Labcorp
Classification: Uncertain significance for Dilated cardiomyopathy 1G; Autosomal recessive limb-girdle muscular dystrophy type 2J. Last evaluated: 2018-06-28. Review status: criteria provided, single submitter. Criteria: Invitae Variant Classification Sherloc (09022015). Collection method: clinical testing. Allele origin: germline.
Comment: This sequence change replaces arginine with glycine at codon 21371 of the TTN protein (p.Arg21371Gly). There is a moderate physicochemical difference between arginine and glycine. This variant is not present in population databases (ExAC no frequency). This variant has not been reported in the literature in individuals with TTN-related disease. This variant is located in the A band of TTN (PMID: 25589632). Variants in this region may be relevant for cardiac or neuromuscular disorders (PMID: 25589632, 23975875). Algorithms developed to predict the effect of missense changes on protein structure and function are unavailable for the TTN gene. Algorithms developed to predict the effect of sequence changes on RNA splicing suggest that this variant may create or strengthen a splice site, but this prediction has not been confirmed by published transcriptional studies. In summary, the available evidence is currently insufficient to determine the role of this variant in disease. Therefore, it has been classified as a Variant of Uncertain Significance.

Illumina Laboratory Services, Illumina
Classification: Uncertain significance for Autosomal recessive limb-girdle muscular dystrophy type 2J. Last evaluated: 2018-01-13. Review status: criteria provided, single submitter. Criteria: ICSL Variant Classification Criteria 13 December 2019. Collection method: clinical testing. Allele origin: germline.

Illumina Laboratory Services, Illumina
Classification: Uncertain significance for Early-onset myopathy with fatal cardiomyopathy. Last evaluated: 2018-01-13. Review status: criteria provided, single submitter. Criteria: ICSL Variant Classification Criteria 13 December 2019. Collection method: clinical testing. Allele origin: germline.

Illumina Laboratory Services, Illumina
Classification: Uncertain significance for Myopathy, myofibrillar, 9, with early respiratory failure. Last evaluated: 2018-01-13. Review status: criteria provided, single submitter. Criteria: ICSL Variant Classification Criteria 13 December 2019. Collection method: clinical testing. Allele origin: germline.

Illumina Laboratory Services, Illumina
Classification: Uncertain significance for Tibial muscular dystrophy. Last evaluated: 2018-01-13. Review status: criteria provided, single submitter. Criteria: ICSL Variant Classification Criteria 13 December 2019. Collection method: clinical testing. Allele origin: germline.

Illumina Laboratory Services, Illumina
Classification: Uncertain significance for Dilated cardiomyopathy 1G. Last evaluated: 2018-01-13. Review status: criteria provided, single submitter. Criteria: ICSL Variant Classification Criteria 13 December 2019. Collection method: clinical testing. Allele origin: germline.

Literature cited by the submitters: PubMed 25589632 (cited by Labcorp Genetics (formerly Invitae), Labcorp); PubMed 23975875 (cited by Labcorp Genetics (formerly Invitae), Labcorp).

NM_001267550.2(TTN):c.64111A>G (p.Arg21371Gly)

Genes: TTN (titin; minus strand), TTN-AS1 (TTN antisense RNA 1; plus strand). Cytogenetic location: 2q31.2.
Variant type: single nucleotide variant.
Coding change: c.64111A>G on transcript NM_001267550.2 (MANE Select); coding-DNA position 64111, A replaced by G.
Protein change: p.Arg21371Gly; replaces arginine 21371 with glycine.
Molecular consequence: missense variant.
Genome position (GRCh38, 1-based): chr2:178,586,790, T>C on the plus strand (A>G on the coding strand, the complement: TTN is on the minus strand). VCF-style: chr2-178586790-T-C. GRCh37 (hg19) VCF-style: chr2-179451517-T-C.
Other names: c.59188A>G, p.Arg19730Gly (NM_001256850.1); c.36916A>G, p.Arg12306Gly (NM_003319.4); c.56407A>G, p.Arg18803Gly (NM_133378.4); c.37291A>G, p.Arg12431Gly (NM_133432.3); c.37492A>G, p.Arg12498Gly (NM_133437.4); short protein forms R21371G, R19730G, R12306G, R12498G, R12431G, R18803G.
Identifiers: ClinVar variation 572409 (VCV000572409.9), dbSNP rs748901968, ClinGen allele CA60963511.
Genomic context (GRCh38, chr2:178,586,790, plus strand): 5'-GGGGAGGTAACCAGGCTAAGGTGGCACTGTTCTTGGTCATTTCAGTCACTTCTAATTTCC[T>C]TGGGGGATCCGGCTCACCTAGAAGAAAAACATAATTTAGAAGATTACCTAGGTAACCTAA-3'
Protein context (NP_001254479.2, residues 21361-21381): SDPLSEPDPP[Arg21371Gly]KLEVTEMTKN